The following is an entry in ClinVar:

ClinVar aggregate classification (germline): Uncertain significance (1 of 4 stars; one submission).

Allele frequency attached by ClinVar (database versions not stated): gnomAD 0.00001; gnomAD exomes 0.00001; ExAC 0.00002; TOPMed 0.00003.
gnomAD v4.1: 18 of 1,612,474 alleles (0.0011%); highest among the groups gnomAD compares: Middle Eastern, 0.016%; no homozygotes.

Submission:

Labcorp Genetics (formerly Invitae), Labcorp
Classification: Uncertain significance. Last evaluated: 2024-11-11. Review status: criteria provided, single submitter. Criteria: Invitae Variant Classification Sherloc (09022015). Collection method: clinical testing. Allele origin: germline.
Comment: This sequence change replaces arginine, which is basic and polar, with tryptophan, which is neutral and slightly polar, at codon 576 of the SKIV2L protein (p.Arg576Trp). This variant is present in population databases (rs761924927, gnomAD 0.003%). This variant has not been reported in the literature in individuals affected with SKIV2L-related conditions. ClinVar contains an entry for this variant (Variation ID: 1895514). An algorithm developed to predict the effect of missense changes on protein structure and function (PolyPhen-2) suggests that this variant is likely to be disruptive. In summary, the available evidence is currently insufficient to determine the role of this variant in disease. Therefore, it has been classified as a Variant of Uncertain Significance.

NM_006929.5(SKIC2):c.1726C>T (p.Arg576Trp)

Gene: SKIC2 (SKI2 subunit of superkiller complex; plus strand). Cytogenetic location: 6p21.33.
Variant type: single nucleotide variant.
Coding change: c.1726C>T on transcript NM_006929.5 (MANE Select); coding-DNA position 1726, C replaced by T.
Protein change: p.Arg576Trp; replaces arginine 576 with tryptophan.
Molecular consequence: missense variant.
Genome position (GRCh38, 1-based): chr6:31,963,991, C>T. VCF-style: chr6-31963991-C-T. GRCh37 (hg19) VCF-style: chr6-31931768-C-T.
Other names: short protein forms R576W.
Identifiers: ClinVar variation 1895514 (VCV001895514.3), dbSNP rs761924927, ClinGen allele CA3729567.